The following is an entry in ClinVar:

ClinVar aggregate classification (germline): Likely benign. Review status: criteria provided, multiple submitters, no conflicts (2 of 4 stars). 5 submissions from 5 submitters: Likely benign (3). 2 of the submissions do not count toward it. Last evaluated 2023-12-01.

Conditions:
ARID2-related disorder. Also called: ARID2-related condition.

Allele frequency attached by ClinVar (database versions not stated): 1000 Genomes Project 30x 0.00062; 1000 Genomes Project 0.00080; TOPMed 0.00089; gnomAD 0.00099 and 0.00112; ESP Exome Variant Server 0.00192.
gnomAD v4.1: 328 of 1,614,124 alleles (0.02%); highest among the groups gnomAD compares: African/African-American, 0.33%; 1 homozygote.

Submissions (5):

CeGaT Center for Human Genetics Tuebingen
Classification: Likely benign. Last evaluated: 2023-12-01. Review status: criteria provided, single submitter. Criteria: CeGaT Center For Human Genetics Tuebingen Variant Classification Criteria Version 2. Collection method: clinical testing. Allele origin: germline. Affected: yes. Observed: 1 variant allele.
Comment: ARID2: BS1

Labcorp Genetics (formerly Invitae), Labcorp
Classification: Likely benign. Last evaluated: 2018-04-13. Review status: criteria provided, single submitter. Criteria: Invitae Variant Classification Sherloc (09022015). Collection method: clinical testing. Allele origin: germline.

Breakthrough Genomics
Classification: Likely benign. Review status: criteria provided, single submitter. Criteria: ACMG Guidelines, 2015. Collection method: not provided. Allele origin: germline. Inheritance: Autosomal dominant inheritance. Affected: yes.

PreventionGenetics, part of Exact Sciences
Classification: Likely benign for ARID2-related condition. Last evaluated: 2021-06-15. Review status: no assertion criteria provided. Collection method: clinical testing. Allele origin: germline. Not counted in ClinVar's aggregate classification.
Comment: This variant is classified as likely benign based on ACMG/AMP sequence variant interpretation guidelines (Richards et al. 2015 PMID: 25741868, with internal and published modifications).

ITMI
No classification provided. Condition: AllHighlyPenetrant. Last evaluated: 2013-09-19. Review status: no classification provided. Collection method: reference population. Allele origin: germline. Not counted in ClinVar's aggregate classification.
Comment: Please see associated publication for description of ethnicities

Literature cited by the submitters: PubMed 24728327 (cited by ITMI).

NM_152641.4(ARID2):c.4510C>T (p.Arg1504Trp)

Gene: ARID2 (AT-rich interaction domain 2; plus strand). Cytogenetic location: 12q12.
Variant type: single nucleotide variant.
Coding change: c.4510C>T on transcript NM_152641.4 (MANE Select); coding-DNA position 4510, C replaced by T.
Protein change: p.Arg1504Trp; replaces arginine 1504 with tryptophan.
Molecular consequence: missense variant.
Genome position (GRCh38, 1-based): chr12:45,852,633, C>T. VCF-style: chr12-45852633-C-T. GRCh37 (hg19) VCF-style: chr12-46246416-C-T.
Other names: c.4510C>T, p.Arg1504Trp (NM_001347839.2); c.4510C>T (NM_152641.3); short protein forms R1504W.
Identifiers: ClinVar variation 133565 (VCV000133565.28), dbSNP rs140500006, ClinGen allele CA156958.